The following is an entry in ClinVar:

ClinVar aggregate classification (germline): Uncertain significance (1 of 4 stars; one submission).

Conditions:
Cutis laxa, autosomal recessive, type 1B (ARCL1B). Also called: CUTIS LAXA, AUTOSOMAL RECESSIVE, TYPE IB; EFEMP2-Related Cutis Laxa. Identifiers: Orphanet 90349, MedGen C3280798, MONDO:0013754, OMIM 614437. Disease mechanism: loss of function.

Submission:

Labcorp Genetics (formerly Invitae), Labcorp
Classification: Uncertain significance for Cutis laxa, autosomal recessive, type 1B. Last evaluated: 2021-08-30. Review status: criteria provided, single submitter. Criteria: Invitae Variant Classification Sherloc (09022015). Collection method: clinical testing. Allele origin: germline.
Comment: This sequence change replaces asparagine with serine at codon 302 of the EFEMP2 protein (p.Asn302Ser). The asparagine residue is highly conserved and there is a small physicochemical difference between asparagine and serine. This variant is not present in population databases (ExAC no frequency). This variant has not been reported in the literature in individuals affected with EFEMP2-related conditions. Algorithms developed to predict the effect of missense changes on protein structure and function (SIFT, PolyPhen-2, Align-GVGD) all suggest that this variant is likely to be disruptive. In summary, the available evidence is currently insufficient to determine the role of this variant in disease. Therefore, it has been classified as a Variant of Uncertain Significance.

NM_016938.5(EFEMP2):c.905A>G (p.Asn302Ser)

Gene: EFEMP2 (EGF-like fibulin extracellular matrix protein 2; minus strand). Cytogenetic location: 11q13.1.
Variant type: single nucleotide variant.
Coding change: c.905A>G on transcript NM_016938.5 (MANE Select); coding-DNA position 905, A replaced by G.
Protein change: p.Asn302Ser; replaces asparagine 302 with serine.
Molecular consequence: missense variant. On other transcripts: non-coding transcript variant (1).
Genome position (GRCh38, 1-based): chr11:65,868,364, T>C on the plus strand (A>G on the coding strand, the complement: EFEMP2 is on the minus strand). VCF-style: chr11-65868364-T-C. GRCh37 (hg19) VCF-style: chr11-65635835-T-C.
Other names: short protein forms N302S.
Identifiers: ClinVar variation 847188 (VCV000847188.7), dbSNP rs769829583, ClinGen allele CA381353498.